The following is an entry in ClinVar:

ClinVar aggregate classification (germline): Benign. Review status: criteria provided, multiple submitters, no conflicts (2 of 4 stars). 2 submissions from 2 submitters: Benign (2). Last evaluated 2018-01-13.

Conditions:
Autosomal dominant aplasia and myelodysplasia. Also called: Bone marrow failure syndrome 1. Identifiers: Orphanet 314399, MedGen C3808553, MONDO:0013851, OMIM 614675.

Allele frequency attached by ClinVar (database versions not stated): TOPMed 0.07774; gnomAD 0.08062 and 0.08348; gnomAD exomes 0.08924; 1000 Genomes Project 30x 0.10962; 1000 Genomes Project 0.11641.
gnomAD v4.1: 13,204 of 157,962 alleles (8.4%); highest among the groups gnomAD compares: East Asian, 27%; 724 homozygotes.

Submissions (2):

Illumina Laboratory Services, Illumina
Classification: Benign for Autosomal dominant aplasia and myelodysplasia. Last evaluated: 2018-01-13. Review status: criteria provided, single submitter. Criteria: ICSL Variant Classification Criteria 13 December 2019. Collection method: clinical testing. Allele origin: germline.
Comment: This variant was observed in the ICSL laboratory as part of a predisposition screen in an ostensibly healthy population. It had not been previously curated by ICSL or reported in the Human Gene Mutation Database (HGMD: prior to June 1st, 2018), and was therefore a candidate for classification through an automated scoring system. Utilizing variant allele frequency, disease prevalence and penetrance estimates, and inheritance mode, an automated score was calculated to assess if this variant is too frequent to cause the disease. Based on the score and internal cut-off values, a variant classified as benign is not then subjected to further curation. The score for this variant resulted in a classification of benign for this disease.

Breakthrough Genomics
Classification: Benign. Review status: criteria provided, single submitter. Criteria: ACMG Guidelines, 2015. Collection method: not provided. Allele origin: germline. Inheritance: Autosomal dominant inheritance. Affected: yes.

NM_006947.4(SRP72):c.*442A>G

Gene: SRP72 (signal recognition particle 72; plus strand). Cytogenetic location: 4q12.
Variant type: single nucleotide variant.
Coding change: c.*442A>G on transcript NM_006947.4 (MANE Select); 442 bases downstream of the stop codon, A replaced by G.
Molecular consequence: 3 prime UTR variant. On other transcripts: non-coding transcript variant (1).
Genome position (GRCh38, 1-based): chr4:56,502,303, A>G. VCF-style: chr4-56502303-A-G. GRCh37 (hg19) VCF-style: chr4-57368469-A-G.
Other names: c.*442A>G (NM_001267722.2).
Identifiers: ClinVar variation 349146 (VCV000349146.6), dbSNP rs7762, ClinGen allele CA10618931.
Genomic context (GRCh38, chr4:56,502,303, plus strand): 5'-TCAAGTCCCACTTTAAATTATGTCTTAGGAGACTGAAAGTGGAATCTTCTGAGCATTCCT[A>G]AATATCTGCTTAGAAATATCATGTGATAAAGAGGGACCTTCTTAATACACTGATGTTCTT-3'